The following is an entry in ClinVar:

ClinVar aggregate classification (germline): Likely benign (0 of 4 stars; one submission).

Conditions:
E2F1-related disorder. Also called: E2F1-related condition.

Allele frequency attached by ClinVar (database versions not stated): ExAC 0.00137; 1000 Genomes Project 0.00379; gnomAD 0.00402; 1000 Genomes Project 30x 0.00422; TOPMed 0.00463; ESP Exome Variant Server 0.00523.
gnomAD v4.1: 1,190 of 1,614,082 alleles (0.074%); highest among the groups gnomAD compares: African/African-American, 1.4%; 6 homozygotes.

Submission:

PreventionGenetics, part of Exact Sciences
Classification: Likely benign for E2F1-related condition. Last evaluated: 2019-03-19. Review status: no assertion criteria provided. Collection method: clinical testing. Allele origin: germline.
Comment: This variant is classified as likely benign based on ACMG/AMP sequence variant interpretation guidelines (Richards et al. 2015 PMID: 25741868, with internal and published modifications).

NM_005225.3(E2F1):c.1017C>T (p.Pro339=)

Gene: E2F1 (E2F transcription factor 1; minus strand). Cytogenetic location: 20q11.22.
Variant type: single nucleotide variant.
Coding change: c.1017C>T on transcript NM_005225.3 (MANE Select); coding-DNA position 1017, C replaced by T.
Protein change: p.Pro339=; no amino-acid change (proline 339 retained).
Molecular consequence: synonymous variant.
Genome position (GRCh38, 1-based): chr20:33,677,154, G>A on the plus strand (C>T on the coding strand, the complement: E2F1 is on the minus strand). VCF-style: chr20-33677154-G-A. GRCh37 (hg19) VCF-style: chr20-32264960-G-A.
Identifiers: ClinVar variation 3043775 (VCV003043775.2), dbSNP rs138360482, ClinGen allele CA9818612.